The following is an entry in ClinVar:

NM_000540.3(RYR1):c.6184C>T (p.Arg2062Cys)

Gene: RYR1 (ryanodine receptor 1; plus strand). Cytogenetic location: 19q13.2.
Variant type: single nucleotide variant.
Coding change: c.6184C>T on transcript NM_000540.3 (MANE Select); coding-DNA position 6184, C replaced by T.
Protein change: p.Arg2062Cys; replaces arginine 2062 with cysteine.
Molecular consequence: missense variant.
Genome position (GRCh38, 1-based): chr19:38,492,546, C>T. VCF-style: chr19-38492546-C-T. GRCh37 (hg19) VCF-style: chr19-38983186-C-T.
Other names: c.6184C>T, p.Arg2062Cys (NM_001042723.2); short protein forms R2062C.
Identifiers: ClinVar variation 848733 (VCV000848733.8), dbSNP rs758631725, ClinGen allele CA067863.

ClinVar aggregate classification (germline): Uncertain significance. Review status: criteria provided, multiple submitters, no conflicts (2 of 4 stars). 3 submissions from 3 submitters: Uncertain significance (3). Last evaluated 2024-10-18.

Conditions:
RYR1-related disorder. Also called: RYR1-related disorders; RYR1-related condition. Identifiers: MedGen CN239331.
Malignant hyperthermia, susceptibility to, 1 (MHS1). Also called: Anesthesia related hyperthermia; Malignant hyperpyrexia; Fulminating hyperpyrexia; Pharmacogenic myopathy; RYR1-Related Malignant Hyperthermia Susceptibility; Malignant hyperthermia suceptibility 1. Identifiers: Orphanet 423, MedGen C2930980, MONDO:0007783, OMIM 145600.

Allele frequency attached by ClinVar (database versions not stated): gnomAD 0.00002; TOPMed 0.00002; gnomAD exomes 0.00003 and 0.00004; ExAC 0.00005.
gnomAD v4.1: 43 of 1,613,898 alleles (0.0027%); highest among the groups gnomAD compares: Admixed American, 0.012%; no homozygotes.

Submissions (3):

Labcorp Genetics (formerly Invitae), Labcorp
Classification: Uncertain significance for RYR1-related disorder. Last evaluated: 2024-10-18. Review status: criteria provided, single submitter. Criteria: Invitae Variant Classification Sherloc (09022015). Collection method: clinical testing. Allele origin: germline.
Comment: This sequence change replaces arginine, which is basic and polar, with cysteine, which is neutral and slightly polar, at codon 2062 of the RYR1 protein (p.Arg2062Cys). This variant is present in population databases (rs758631725, gnomAD 0.01%). This variant has not been reported in the literature in individuals affected with RYR1-related conditions. ClinVar contains an entry for this variant (Variation ID: 848733). Invitae Evidence Modeling of protein sequence and biophysical properties (such as structural, functional, and spatial information, amino acid conservation, physicochemical variation, residue mobility, and thermodynamic stability) indicates that this missense variant is not expected to disrupt RYR1 protein function with a negative predictive value of 80%. In summary, the available evidence is currently insufficient to determine the role of this variant in disease. Therefore, it has been classified as a Variant of Uncertain Significance.

All of Us Research Program, National Institutes of Health
Classification: Uncertain significance for Malignant hyperthermia, susceptibility to, 1. Last evaluated: 2024-04-16. Review status: criteria provided, single submitter. Criteria: ACMG Guidelines, 2015. Collection method: clinical testing. Allele origin: germline. Inheritance: Autosomal dominant inheritance. Observed: 8 variant alleles, 8 heterozygotes.
Comment: This missense variant replaces arginine with cysteine at codon 2062 of the RYR1 protein. Computational prediction is inconclusive regarding the impact of this variant on protein structure and function (internally defined REVEL score threshold 0.5 < inconclusive < 0.7, PMID: 27666373). To our knowledge, functional studies have not been reported for this variant. This variant has not been reported in individuals affected with RYR1-related disorders in the literature. This variant has been identified in 11/251354 chromosomes in the general population by the Genome Aggregation Database (gnomAD). The available evidence is insufficient to determine the role of this variant in disease conclusively. Therefore, this variant is classified as a Variant of Uncertain Significance.

This study involves interpretation of variants in research participants for the purpose of population health screening. Participant phenotype was not available at the time of variant classification. Additional details can be found in publication PMID: 35346344, PMCID: PMC8962531

Color Diagnostics, LLC DBA Color Health
Classification: Uncertain significance for Malignant hyperthermia, susceptibility to, 1. Last evaluated: 2023-11-16. Review status: criteria provided, single submitter. Criteria: ACMG Guidelines, 2015. Collection method: clinical testing. Allele origin: germline.
Comment: This missense variant replaces arginine with cysteine at codon 2062 of the RYR1 protein. Computational prediction tool indicates that this variant may have a neutral impact on protein structure and function. To our knowledge, functional studies have not been reported for this variant. This variant has not been reported in individuals affected with RYR1-related disorders in the literature. This variant has been identified in 11/251354 chromosomes in the general population by the Genome Aggregation Database (gnomAD). The available evidence is insufficient to determine the role of this variant in disease conclusively. Therefore, this variant is classified as a Variant of Uncertain Significance.